The following is an entry in ClinVar:

ClinVar aggregate classification (germline): Uncertain significance (1 of 4 stars; one submission).

Submission:

GeneDx
Classification: Uncertain significance. Last evaluated: 2021-11-01. Review status: criteria provided, single submitter. Criteria: GeneDx Variant Classification Process June 2021. Collection method: clinical testing. Allele origin: germline. Affected: yes.
Comment: Not observed at significant frequency in large population cohorts (gnomAD); In silico analysis supports that this missense variant has a deleterious effect on protein structure/function; Has not been previously published as pathogenic or benign to our knowledge

NM_001394062.1(MACF1):c.13314C>G (p.Asn4438Lys)

Gene: MACF1 (microtubule actin crosslinking factor 1; plus strand). Cytogenetic location: 1p34.3.
Variant type: single nucleotide variant.
Coding change: c.13314C>G on transcript NM_001394062.1 (MANE Select); coding-DNA position 13314, C replaced by G.
Protein change: p.Asn4438Lys; replaces asparagine 4438 with lysine.
Molecular consequence: missense variant.
Genome position (GRCh38, 1-based): chr1:39,379,240, C>G. VCF-style: chr1-39379240-C-G. GRCh37 (hg19) VCF-style: chr1-39844912-C-G.
Other names: c.7128C>G, p.Asn2376Lys (NM_012090.5); short protein forms N2376K, N4438K.
Identifiers: ClinVar variation 1683884 (VCV001683884.2), dbSNP rs1487728050, ClinGen allele CA339830342.